The following is an entry in ClinVar:

ClinVar aggregate classification (germline): Conflicting classifications of pathogenicity. Review status: criteria provided, conflicting classifications (1 of 4 stars). 4 submissions from 4 submitters: Pathogenic (2); Uncertain significance (1). 1 of the submissions does not count toward it. Last evaluated 2023-11-08.

Conditions:
MN1 C-terminal truncation (MCTT) syndrome.
CEBALID syndrome (CEBALID). Also called: MN1 C-TERMINAL TRUNCATION SYNDROME; CRANIOFACIAL DEFECTS, DYSMORPHIC EARS, STRUCTURAL BRAIN ABNORMALITIES, EXPRESSIVE LANGUAGE DELAY, AND IMPAIRED INTELLECTUAL DEVELOPMENT. Identifiers: Orphanet 693549, MedGen C5394044, MONDO:0032908, OMIM 618774.

Submissions (4):

Laboratoire de Genetique Biologique, CHU de Poitiers
Classification: Pathogenic for CEBALID syndrome. Last evaluated: 2023-11-08. Review status: criteria provided, single submitter. Criteria: ACMG Guidelines, 2015. Collection method: clinical testing. Allele origin: maternal. Inheritance: Autosomal dominant inheritance. Affected: yes. Observed: 1 heterozygote.
Comment: The same variant was previously described by Mak et al., 2020 (PMID: 31834374).

SIB Swiss Institute of Bioinformatics
Classification: Pathogenic for CEBALID syndrome. Last evaluated: 2020-07-29. Review status: criteria provided, single submitter. Criteria: ACMG Guidelines, 2015. Collection method: curation. Allele origin: unknown.
Comment: This variant is interpreted as Pathogenic for CEBALID syndrome, autosomal dominant. The following ACMG Tag(s) were applied: Absent from controls (or at extremely low frequency if recessive) in Exome Sequencing Project, 1000 Genomes Project, or Exome Aggregation Consortium (PM2); Located in a mutational hot spot and/or critical and well-established functional domain (e.g., active site of an enzyme) without benign variation (PM1); Protein length changes as a result of in-frame deletions/insertions in a nonrepeat region or stop-loss variants (PM4); De novo (paternity and maternity confirmed) (PS2).

GeneDx
Classification: Uncertain significance. Last evaluated: 2019-08-27. Review status: criteria provided, single submitter. Criteria: GeneDx Variant Classification Process June 2021. Collection method: clinical testing. Allele origin: germline. Affected: yes.
Comment: Nonsense variant predicted to result in protein truncation, although loss-of-function variants have not been reported downstream of this position in the protein; Not observed in large population cohorts (Lek et al., 2016); Variants in candidate genes are classified as variants of uncertain significance in accordance with ACMG guidelines (Richards et al., 2015); Has not been previously published as pathogenic or benign to our knowledge; This variant is associated with the following publications: (PMID: 31834374)

University of Washington Center for Mendelian Genomics, University of Washington
Classification: Likely pathogenic for MN1 C-terminal truncation (MCTT) syndrome. Review status: no assertion criteria provided. Collection method: research. Allele origin: de novo. Affected: yes. Not counted in ClinVar's aggregate classification.

Literature cited by the submitters: PubMed 31834374 (cited by 3 submitters).

NM_002430.3(MN1):c.3778G>T (p.Glu1260Ter)

Gene: MN1 (MN1 proto-oncogene, transcriptional regulator; minus strand). Cytogenetic location: 22q12.1.
Variant type: single nucleotide variant.
Coding change: c.3778G>T on transcript NM_002430.3 (MANE Select); coding-DNA position 3778, G replaced by T.
Protein change: p.Glu1260Ter; replaces glutamic acid 1260 with a stop codon.
Molecular consequence: nonsense.
Genome position (GRCh38, 1-based): chr22:27,796,766, C>A on the plus strand (G>T on the coding strand, the complement: MN1 is on the minus strand). VCF-style: chr22-27796766-C-A. GRCh37 (hg19) VCF-style: chr22-28192754-C-A.
Other names: short protein forms E1260*.
Identifiers: ClinVar variation 978211 (VCV000978211.6), dbSNP rs1933302820, ClinGen allele CA411041517.
Genomic context (GRCh38, chr22:27,796,766, plus strand): 5'-GCCCTGGGGATGGGGCGGGTCACCCGGGAAGTGAGAGGAAAACGAGTGTGCATATACCTT[C>A]TTTGCTGTTGGGGTTCTGGGGTTTGGCCTTCTCCCAGGGCGCCAACGTCTTGTCGTCGTC-3'